The following is an entry in ClinVar:

ClinVar aggregate classification (germline): Uncertain significance. Review status: criteria provided, multiple submitters, no conflicts (2 of 4 stars). 9 submissions from 9 submitters: Uncertain significance (7). 2 of the submissions do not count toward it. Last evaluated 2025-11-19.

Conditions:
Hereditary cancer-predisposing syndrome. Also called: Hereditary neoplastic syndrome; Neoplastic Syndromes, Hereditary; Tumor predisposition; Hereditary Cancer Syndrome. Identifiers: Orphanet 140162, MedGen C0027672, MeSH D009386, MONDO:0015356.
Ataxia-telangiectasia syndrome (AT). Also called: Ataxia telangiectasia (A-T); LOUIS-BAR SYNDROME; Cerebello-oculocutaneous telangiectasia; Immunodeficiency with ataxia telangiectasia; Ataxia-telangiectasia, complementation group D; AT, COMPLEMENTATION GROUP C. Identifiers: Orphanet 100, MedGen C0004135, MONDO:0008840, OMIM 208900.
Malignant tumor of breast. Also called: Cancer breast; Malignant breast neoplasm. Identifiers: MedGen C0006142, MONDO:0007254. Disease mechanism: loss of function.
Familial cancer of breast. Also called: Hereditary breast cancer; hereditary breast carcinoma; BREAST CANCER, FAMILIAL. Identifiers: Orphanet 227535, MedGen C0346153, MONDO:0016419, OMIM 114480. Disease mechanism: loss of function.

Allele frequency attached by ClinVar (database versions not stated): gnomAD exomes 0.00001 and 0.00004; ExAC 0.00002; TOPMed 0.00002.
gnomAD v4.1: 7 of 1,613,674 alleles (0.00043%); highest among the groups gnomAD compares: East Asian, 0.016%; no homozygotes.

Submissions (9):

Labcorp Genetics (formerly Invitae), Labcorp
Classification: Uncertain significance for Ataxia-telangiectasia syndrome. Last evaluated: 2025-11-19. Review status: criteria provided, single submitter. Criteria: Invitae Variant Classification Sherloc (09022015). Collection method: clinical testing. Allele origin: germline.
Comment: This sequence change replaces phenylalanine, which is neutral and non-polar, with leucine, which is neutral and non-polar, at codon 1036 of the ATM protein (p.Phe1036Leu). This variant is present in population databases (rs747079458, gnomAD 0.05%). This missense change has been observed in individual(s) with breast cancer (PMID: 32091409, 32885271). ClinVar contains an entry for this variant (Variation ID: 407624). Invitae Evidence Modeling of protein sequence and biophysical properties (such as structural, functional, and spatial information, amino acid conservation, physicochemical variation, residue mobility, and thermodynamic stability) indicates that this missense variant is not expected to disrupt ATM protein function with a negative predictive value of 95%. In summary, the available evidence is currently insufficient to determine the role of this variant in disease. Therefore, it has been classified as a Variant of Uncertain Significance.

Quest Diagnostics Nichols Institute San Juan Capistrano
Classification: Uncertain significance. Last evaluated: 2025-04-04. Review status: criteria provided, single submitter. Criteria: Quest Diagnostics criteria. Collection method: clinical testing. Allele origin: unknown.

Ambry Genetics
Classification: Uncertain significance for Hereditary cancer-predisposing syndrome. Last evaluated: 2025-01-15. Review status: criteria provided, single submitter. Criteria: Ambry Variant Classification Scheme 2023. Collection method: clinical testing. Allele origin: germline.
Comment: The p.F1036L variant (also known as c.3106T>C), located in coding exon 20 of the ATM gene, results from a T to C substitution at nucleotide position 3106. The phenylalanine at codon 1036 is replaced by leucine, an amino acid with highly similar properties. This variant was reported in an individual diagnosed with breast cancer (Chen B et al. Aging (Albany NY), 2020 Feb;12:3140-3155). This variant was also observed in 1/3251 individuals who met eligibility criteria for hereditary breast and ovarian cancer syndrome (Lerner-Ellis J et al. J Cancer Res Clin Oncol, 2021 Mar;147:871-879). This amino acid position is not well conserved in available vertebrate species. In addition, this alteration is predicted to be tolerated by in silico analysis. Based on the available evidence, the clinical significance of this variant remains unclear.

Color Diagnostics, LLC DBA Color Health
Classification: Uncertain significance for Hereditary cancer-predisposing syndrome. Last evaluated: 2024-07-26. Review status: criteria provided, single submitter. Criteria: ACMG Guidelines, 2015. Collection method: clinical testing. Allele origin: germline.
Comment: This missense variant replaces phenylalanine with leucine at codon 1036 of the ATM protein. Computational prediction suggests that this variant may not impact protein structure and function. To our knowledge, functional studies have not been reported for this variant. In an international breast cancer case-control meta-analysis, this variant was detected in 7/60466 cases and 9/53461 unaffected controls (PMID: 33471991). This variant has been identified in 9/251248 chromosomes in the general population by the Genome Aggregation Database (gnomAD). The available evidence is insufficient to determine the role of this variant in disease conclusively. Therefore, this variant is classified as a Variant of Uncertain Significance.

Baylor Genetics
Classification: Uncertain significance for Familial cancer of breast. Last evaluated: 2024-03-13. Review status: criteria provided, single submitter. Criteria: ACMG Guidelines, 2015. Collection method: clinical testing. Allele origin: unknown.

Women's Health and Genetics/Laboratory Corporation of America, LabCorp
Classification: Uncertain significance. Last evaluated: 2024-02-05. Review status: criteria provided, single submitter. Criteria: LabCorp Variant Classification Summary - May 2015. Collection method: clinical testing. Allele origin: germline.
Comment: Variant summary: ATM c.3106T>C (p.Phe1036Leu) results in a non-conservative amino acid change in the encoded protein sequence. Four of five in-silico tools predict a benign effect of the variant on protein function. The variant allele was found at a frequency of 4e-05 in 273730 control chromosomes. This frequency is not significantly higher than estimated for a pathogenic variant in ATM causing Ataxia-Telangiectasia (4e-05 vs 0.004), allowing no conclusion about variant significance. c.3106T>C has been reported in the literature as a VUS in individuals affected with metastatic castration-resistant prostate cancer or at high risk for breast cancer (e.g. Dong_2022, Kwong_2020). These report(s) do not provide unequivocal conclusions about association of the variant with Ataxia-Telangiectasia. To our knowledge, no experimental evidence demonstrating an impact on protein function has been reported. The following publications have been ascertained in the context of this evaluation (PMID: 35599270, 32068069, 30287823). ClinVar contains an entry for this variant (Variation ID: 407624). Based on the evidence outlined above, the variant was classified as uncertain significance.

Fulgent Genetics
Classification: Uncertain significance for Familial cancer of breast; Ataxia-telangiectasia syndrome. Last evaluated: 2022-04-18. Review status: criteria provided, single submitter. Criteria: ACMG Guidelines, 2015. Collection method: clinical testing. Allele origin: unknown.

Natera, Inc.
Classification: Uncertain significance for Ataxia-telangiectasia. Last evaluated: 2020-08-31. Review status: no assertion criteria provided. Collection method: clinical testing. Allele origin: germline. Not counted in ClinVar's aggregate classification.

Department of Pathology and Laboratory Medicine, Sinai Health System
Classification: Uncertain significance for Malignant tumor of breast. Review status: no assertion criteria provided. Collection method: clinical testing. Allele origin: unknown. Affected: yes. Observed: 1 variant allele. Study: The Canadian Open Genetics Repository (COGR). Not counted in ClinVar's aggregate classification.
Comment: The ATM p.Phe1036Leu variant was not identified in the literature nor was it identified in the Cosmic, MutDB, LOVD 3.0, or ATM-LOVD databases. The variant was identified in the following databases: dbSNP (ID: rs747079458) as "With Uncertain significance allele", ClinVar and Clinvitae (1x, uncertain significance). The variant was also identified in control databases in 9 of 246090 chromosomes at a frequency of 0.00004 (Genome Aggregation Database Feb 27, 2017). Breakdown of the observations by population include East Asian in 9 of 17236 chromosomes (freq: 0.0005), increasing the likelihood that this may be a low frequency benign variant in certain populations of origin. The variant was not observed in the African, other, Latino, European, Ashkenazi Jewish, Finnish, or South Asian populations. The p.Phe1036 residue is not conserved in mammals and computational analyses (PolyPhen-2, SIFT, AlignGVGD, BLOSUM, MutationTaster) do not suggest a high likelihood of impact to the protein; however, this information is not predictive enough to rule out pathogenicity. The variant occurs outside of the splicing consensus sequence and in silico or computational prediction software programs (SpliceSiteFinder, MaxEntScan, NNSPLICE, GeneSplicer, HumanSpliceFinder) do not predict a difference in splicing. In summary, based on the above information the clinical significance of this variant cannot be determined with certainty at this time. This variant is classified as a variant of uncertain significance.

Literature cited by the submitters: PubMed 32091409 (cited by Labcorp Genetics (formerly Invitae), Labcorp and Ambry Genetics); PubMed 32885271 (cited by Labcorp Genetics (formerly Invitae), Labcorp and Ambry Genetics); PubMed 33471991 (cited by Color Diagnostics, LLC DBA Color Health); PubMed 30287823 (cited by Women's Health and Genetics/Laboratory Corporation of America, LabCorp); PubMed 32068069 (cited by Women's Health and Genetics/Laboratory Corporation of America, LabCorp); PubMed 35599270 (cited by Women's Health and Genetics/Laboratory Corporation of America, LabCorp).

NM_000051.4(ATM):c.3106T>C (p.Phe1036Leu)

Gene: ATM (ATM serine/threonine kinase; plus strand). Cytogenetic location: 11q22.3.
Variant type: single nucleotide variant.
Coding change: c.3106T>C on transcript NM_000051.4 (MANE Select); coding-DNA position 3106, T replaced by C.
Protein change: p.Phe1036Leu; replaces phenylalanine 1036 with leucine.
Molecular consequence: missense variant.
Genome position (GRCh38, 1-based): chr11:108,272,560, T>C. VCF-style: chr11-108272560-T-C. GRCh37 (hg19) VCF-style: chr11-108143287-T-C.
Other names: c.3106T>C, p.Phe1036Leu (NM_001351834.2); short protein forms F1036L.
Identifiers: ClinVar variation 407624 (VCV000407624.34), dbSNP rs747079458, ClinGen allele CA6265196.